The following is an entry in ClinVar:

NM_133259.4(LRPPRC):c.109G>T (p.Ala37Ser)

Gene: LRPPRC (leucine rich pentatricopeptide repeat containing; minus strand). Cytogenetic location: 2p21.
Variant type: single nucleotide variant.
Coding change: c.109G>T on transcript NM_133259.4 (MANE Select); coding-DNA position 109, G replaced by T.
Protein change: p.Ala37Ser; replaces alanine 37 with serine.
Molecular consequence: missense variant.
Genome position (GRCh38, 1-based): chr2:43,995,839, C>A on the plus strand (G>T on the coding strand, the complement: LRPPRC is on the minus strand). VCF-style: chr2-43995839-C-A. GRCh37 (hg19) VCF-style: chr2-44222978-C-A.
Other names: p.A37S:GCC>TCC; short protein forms A37S.
Identifiers: ClinVar variation 214622 (VCV000214622.5), dbSNP rs763948159, ClinGen allele CA322953.

ClinVar aggregate classification (germline): Uncertain significance. Review status: criteria provided, multiple submitters, no conflicts (2 of 4 stars). 4 submissions from 4 submitters: Uncertain significance (3). 1 of the submissions does not count toward it. Last evaluated 2021-09-08.

Conditions:
Inborn genetic diseases. Identifiers: MedGen C0950123, MeSH D030342.
Congenital lactic acidosis, Saguenay-Lac-Saint-Jean type (MC4DN5). Also called: CYTOCHROME c OXIDASE DEFICIENCY, FRENCH CANADIAN TYPE; COX DEFICIENCY, FRENCH CANADIAN TYPE; MITOCHONDRIAL COMPLEX IV DEFICIENCY, NUCLEAR TYPE 5. Identifiers: Orphanet 70472, MedGen C1857355, MONDO:0009069, OMIM 220111.

Allele frequency attached by ClinVar (database versions not stated): ExAC below 0.00001; gnomAD exomes 0.00004 and 0.00006; gnomAD 0.00005 and 0.00006; TOPMed 0.00005.
gnomAD v4.1: 89 of 1,449,036 alleles (0.0061%); highest among the groups gnomAD compares: Non-Finnish European, 0.0077%; no homozygotes.

Submissions (4):

Fulgent Genetics
Classification: Uncertain significance for Congenital lactic acidosis, Saguenay-Lac-Saint-Jean type. Last evaluated: 2021-09-08. Review status: criteria provided, single submitter. Criteria: ACMG Guidelines, 2015. Collection method: clinical testing. Allele origin: unknown.

Ambry Genetics
Classification: Uncertain significance for Inborn genetic diseases. Last evaluated: 2021-02-23. Review status: criteria provided, single submitter. Criteria: Ambry Variant Classification Scheme 2023. Collection method: clinical testing. Allele origin: germline.
Comment: The c.109G>T (p.A37S) alteration is located in exon 1 (coding exon 1) of the LRPPRC gene. This alteration results from a G to T substitution at nucleotide position 109, causing the alanine (A) at amino acid position 37 to be replaced by a serine (S). The p.A37S alteration is predicted to be tolerated by in silico analysis. Based on insufficient or conflicting evidence, the clinical significance of this alteration remains unclear.

GeneDx
Classification: Uncertain significance. Last evaluated: 2014-10-29. Review status: criteria provided, single submitter. Criteria: GeneDx Variant Classification (06012015). Collection method: clinical testing. Allele origin: germline. Affected: yes.
Comment: p.Ala37Ser (GCC>TCC): c.109 G>T in exon 1 of the LRPPRC gene (NM_133259.3). The A37S variant has not been published as a mutation, nor has it been reported as a benign polymorphism to our knowledge. The A37S variant is a non-conservative amino acid substitution, which is likely to impact secondary protein structure as these residues differ in polarity, charge, size and/or other properties. This substitution occurs at a position where amino acids with similar properties as Alanine are conserved across species. In silico analysis predicts this variant likely does not alter the protein structure/function. Therefore, based on the currently available information, it is unclear whether this variant is a pathogenic mutation or a rare benign variant. The variant is found in MITONUC-MITOP panel(s).

Natera, Inc.
Classification: Uncertain significance for French-Canadian type Leigh syndrome. Last evaluated: 2019-10-28. Review status: no assertion criteria provided. Collection method: clinical testing. Allele origin: germline. Not counted in ClinVar's aggregate classification.